The following is an entry in ClinVar:

NM_020778.5(ALPK3):c.1838A>T (p.Asp613Val)

Gene: ALPK3 (alpha kinase 3; plus strand). Cytogenetic location: 15q25.3.
Variant type: single nucleotide variant.
Coding change: c.1838A>T on transcript NM_020778.5 (MANE Select); coding-DNA position 1838, A replaced by T.
Protein change: p.Asp613Val; replaces aspartic acid 613 with valine.
Molecular consequence: missense variant.
Genome position (GRCh38, 1-based): chr15:84,856,576, A>T. VCF-style: chr15-84856576-A-T. GRCh37 (hg19) VCF-style: chr15-85399807-A-T.
Other names: short protein forms D613V.
Identifiers: ClinVar variation 1791368 (VCV001791368.3), dbSNP rs1351980288, ClinGen allele CA393354933.

ClinVar aggregate classification (germline): Uncertain significance (1 of 4 stars; one submission).

Conditions:
Cardiovascular phenotype. Identifiers: MedGen CN230736.

Allele frequency attached by ClinVar (database versions not stated): gnomAD 0.00001; TOPMed 0.00001.
gnomAD v4.1: 1 of 1,614,072 alleles (0.000062%); highest among the groups gnomAD compares: African/African-American, 0.0013%; no homozygotes.

Submission:

Ambry Genetics
Classification: Uncertain significance for Cardiovascular phenotype. Last evaluated: 2025-08-12. Review status: criteria provided, single submitter. Criteria: Ambry Variant Classification Scheme 2023. Collection method: clinical testing. Allele origin: germline.
Comment: The p.D815V variant (also known as c.2444A>T), located in coding exon 6 of the ALPK3 gene, results from an A to T substitution at nucleotide position 2444. The aspartic acid at codon 815 is replaced by valine, an amino acid with highly dissimilar properties. This amino acid position is conserved. In addition, this alteration is predicted to be tolerated by in silico analysis. Since supporting evidence is limited at this time, the clinical significance of this alteration remains unclear.